The following is an entry in ClinVar:

NM_000535.7(PMS2):c.56A>G (p.Asp19Gly)

Gene: PMS2 (PMS1 homolog 2, mismatch repair system component; minus strand). Cytogenetic location: 7p22.1.
Variant type: single nucleotide variant.
Coding change: c.56A>G on transcript NM_000535.7 (MANE Select); coding-DNA position 56, A replaced by G.
Protein change: p.Asp19Gly; replaces aspartic acid 19 with glycine.
Molecular consequence: missense variant. On other transcripts: 5 prime UTR variant (8), non-coding transcript variant (1), intron variant (3).
Genome position (GRCh38, 1-based): chr7:6,005,999, T>C on the plus strand (A>G on the coding strand, the complement: PMS2 is on the minus strand). VCF-style: chr7-6005999-T-C. GRCh37 (hg19) VCF-style: chr7-6045630-T-C.
Other names: c.-350A>G (NM_001322003.2, NM_001322005.2, NM_001322009.2 and 1 more transcripts); c.56A>G, p.Asp19Gly (NM_001322006.2, NM_001322014.2); c.-160A>G (NM_001322007.2); c.-829A>G (NM_001322011.2, NM_001322012.2); c.-429A>G (NM_001322015.2); c.-52-1941A>G (NM_001322008.2); c.-242-1941A>G (NM_001322010.2, NM_001322004.2); short protein forms D19G.
Identifiers: ClinVar variation 480331 (VCV000480331.17), dbSNP rs1554306564, ClinGen allele CA366745142.

ClinVar aggregate classification (germline): Uncertain significance. Review status: criteria provided, multiple submitters, no conflicts (2 of 4 stars). 3 submissions from 3 submitters: Uncertain significance (3). Last evaluated 2025-10-14.

Conditions:
Hereditary nonpolyposis colorectal neoplasms. Identifiers: MedGen C0009405, MeSH D003123.
Hereditary cancer-predisposing syndrome. Also called: Hereditary Cancer Syndrome; Neoplastic Syndromes, Hereditary; Tumor predisposition; Hereditary neoplastic syndrome. Identifiers: Orphanet 140162, MedGen C0027672, MeSH D009386, MONDO:0015356.
Lynch syndrome 4 (LYNCH4). Also called: Colorectal cancer, hereditary nonpolyposis, type 4; Hereditary non-polyposis colorectal cancer, type 4. Identifiers: Orphanet 144, MedGen C1838333, MONDO:0013699, OMIM 614337. Disease mechanism: loss of function.

Submissions (3):

Labcorp Genetics (formerly Invitae), Labcorp
Classification: Uncertain significance for Hereditary nonpolyposis colorectal neoplasms. Last evaluated: 2025-10-14. Review status: criteria provided, single submitter. Criteria: Invitae Variant Classification Sherloc (09022015). Collection method: clinical testing. Allele origin: germline.
Comment: This sequence change replaces aspartic acid, which is acidic and polar, with glycine, which is neutral and non-polar, at codon 19 of the PMS2 protein (p.Asp19Gly). This variant is not present in population databases (gnomAD no frequency). This variant has not been reported in the literature in individuals affected with PMS2-related conditions. ClinVar contains an entry for this variant (Variation ID: 480331). Invitae Evidence Modeling incorporating data from in vitro experimental studies (internal data) indicates that this missense variant is not expected to disrupt PMS2 function with a negative predictive value of 95%. In summary, the available evidence is currently insufficient to determine the role of this variant in disease. Therefore, it has been classified as a Variant of Uncertain Significance.

Ambry Genetics
Classification: Uncertain significance for Hereditary cancer-predisposing syndrome. Last evaluated: 2025-07-12. Review status: criteria provided, single submitter. Criteria: Ambry Variant Classification Scheme 2023. Collection method: clinical testing. Allele origin: germline.
Comment: The p.D19G variant (also known as c.56A>G), located in coding exon 2 of the PMS2 gene, results from an A to G substitution at nucleotide position 56. The aspartic acid at codon 19 is replaced by glycine, an amino acid with similar properties. This amino acid position is highly conserved in available vertebrate species. In addition, this alteration is predicted to be deleterious by in silico analysis. Since supporting evidence is limited at this time, the clinical significance of this alteration remains unclear.

Baylor Genetics
Classification: Uncertain significance for Lynch syndrome 4. Last evaluated: 2023-10-03. Review status: criteria provided, single submitter. Criteria: ACMG Guidelines, 2015. Collection method: clinical testing. Allele origin: unknown.